The following is an entry in ClinVar:

ClinVar aggregate classification (germline): Uncertain significance (1 of 4 stars; one submission).

Allele frequency attached by ClinVar (database versions not stated): gnomAD exomes below 0.00001; ExAC 0.00001.
gnomAD v4.1: 1 of 1,611,348 alleles (0.000062%); highest among the groups gnomAD compares: Admixed American, 0.0017%; no homozygotes.

Submission:

Labcorp Genetics (formerly Invitae), Labcorp
Classification: Uncertain significance. Last evaluated: 2023-08-16. Review status: criteria provided, single submitter. Criteria: Invitae Variant Classification Sherloc (09022015). Collection method: clinical testing. Allele origin: germline.
Comment: This sequence change replaces aspartic acid, which is acidic and polar, with tyrosine, which is neutral and polar, at codon 916 of the SETD5 protein (p.Asp916Tyr). This variant is present in population databases (rs771523806, gnomAD 0.003%). This variant has not been reported in the literature in individuals affected with SETD5-related conditions. Advanced modeling of protein sequence and biophysical properties (such as structural, functional, and spatial information, amino acid conservation, physicochemical variation, residue mobility, and thermodynamic stability) performed at Invitae indicates that this missense variant is not expected to disrupt SETD5 protein function. Algorithms developed to predict the effect of sequence changes on RNA splicing suggest that this variant may create or strengthen a splice site. In summary, the available evidence is currently insufficient to determine the role of this variant in disease. Therefore, it has been classified as a Variant of Uncertain Significance.

NM_001080517.3(SETD5):c.2746G>T (p.Asp916Tyr)

Gene: SETD5 (SET domain containing 5; plus strand). Cytogenetic location: 3p25.3.
Variant type: single nucleotide variant.
Coding change: c.2746G>T on transcript NM_001080517.3 (MANE Select); coding-DNA position 2746, G replaced by T.
Protein change: p.Asp916Tyr; replaces aspartic acid 916 with tyrosine.
Molecular consequence: missense variant.
Genome position (GRCh38, 1-based): chr3:9,470,480, G>T. VCF-style: chr3-9470480-G-T. GRCh37 (hg19) VCF-style: chr3-9512164-G-T.
Other names: c.2452G>T, p.Asp818Tyr (NM_001292043.2, NM_001349451.2); short protein forms D818Y, D916Y.
Identifiers: ClinVar variation 2753103 (VCV002753103.3), dbSNP rs771523806, ClinGen allele CA2239549.
Genomic context (GRCh38, chr3:9,470,480, plus strand): 5'-TCCCCTACCCCATGTCTCCGTTGATTTTTATTCTTTCAGCTTTGTCACCGAAAAGACCTG[G>T]ATTTGGCAAAAGTAGGATACCTTGACTCCAACACTAACAGCTGTGCTGATAGACCTTCCC-3'
Protein context (NP_001073986.1, residues 906-926): QFELCHRKDL[Asp916Tyr]LAKVGYLDSN